The following is an entry in ClinVar:

NM_004371.4(COPA):c.2889C>T (p.Tyr963=)

Gene: COPA (coat protein complex I subunit alpha; minus strand). Cytogenetic location: 1q23.2.
Variant type: single nucleotide variant.
Coding change: c.2889C>T on transcript NM_004371.4 (MANE Select); coding-DNA position 2889, C replaced by T.
Protein change: p.Tyr963=; no amino-acid change (tyrosine 963 retained).
Molecular consequence: synonymous variant.
Genome position (GRCh38, 1-based): chr1:160,292,555, G>A on the plus strand (C>T on the coding strand, the complement: COPA is on the minus strand). VCF-style: chr1-160292555-G-A. GRCh37 (hg19) VCF-style: chr1-160262345-G-A.
Other names: c.2916C>T, p.Tyr972= (NM_001098398.2).
Identifiers: ClinVar variation 1150074 (VCV001150074.24), dbSNP rs201477148, ClinGen allele CA1197746.

ClinVar aggregate classification (germline): Likely benign. Review status: criteria provided, multiple submitters, no conflicts (2 of 4 stars). 3 submissions from 3 submitters: Likely benign (3). Last evaluated 2026-01-18.

Conditions:
Autoimmune interstitial lung disease-arthritis syndrome. Also called: Autoinflammation and autoimmunity, systemic, with immune dysregulation. Identifiers: Orphanet 444092, MedGen C5975714, MONDO:0014629.

Allele frequency attached by ClinVar (database versions not stated): ExAC 0.00004; TOPMed 0.00005; gnomAD 0.00006; gnomAD exomes 0.00006 and 0.00010; 1000 Genomes Project 0.00020; 1000 Genomes Project 30x 0.00031.
gnomAD v4.1: 155 of 1,613,984 alleles (0.0096%); highest among the groups gnomAD compares: Non-Finnish European, 0.011%; no homozygotes.

Submissions (3):

Labcorp Genetics (formerly Invitae), Labcorp
Classification: Likely benign for Autoimmune interstitial lung disease-arthritis syndrome. Last evaluated: 2026-01-18. Review status: criteria provided, single submitter. Criteria: Invitae Variant Classification Sherloc (09022015). Collection method: clinical testing. Allele origin: germline.

CeGaT Center for Human Genetics Tuebingen
Classification: Likely benign. Last evaluated: 2025-06-01. Review status: criteria provided, single submitter. Criteria: CeGaT Center For Human Genetics Tuebingen Variant Classification Criteria Version 2. Collection method: clinical testing. Allele origin: germline. Affected: yes. Observed: 2 variant alleles.
Comment: COPA: BP4, BP7

Blueprint Genetics
Classification: Likely benign. Last evaluated: 2024-02-08. Review status: criteria provided, single submitter. Criteria: ACMG Guidelines, 2015. Collection method: clinical testing. Allele origin: germline.